The following is an entry in ClinVar:

NM_000038.6(APC):c.6838T>C (p.Ser2280Pro)

Gene: APC (APC regulator of Wnt signaling pathway; plus strand). Cytogenetic location: 5q22.2.
Variant type: single nucleotide variant.
Coding change: c.6838T>C on transcript NM_000038.6 (MANE Select); coding-DNA position 6838, T replaced by C.
Protein change: p.Ser2280Pro; replaces serine 2280 with proline.
Molecular consequence: missense variant.
Genome position (GRCh38, 1-based): chr5:112,842,432, T>C. VCF-style: chr5-112842432-T-C. GRCh37 (hg19) VCF-style: chr5-112178129-T-C.
Other names: c.6838T>C, p.Ser2280Pro (NM_001127510.3, NM_001354895.2); c.6784T>C, p.Ser2262Pro (NM_001127511.3); c.6892T>C, p.Ser2298Pro (NM_001354896.2); c.6868T>C, p.Ser2290Pro (NM_001354897.2); c.6763T>C, p.Ser2255Pro (NM_001354898.2); c.6754T>C, p.Ser2252Pro (NM_001354899.2); c.6715T>C, p.Ser2239Pro (NM_001354900.2); c.6661T>C, p.Ser2221Pro (NM_001354901.2); and 5 more; short protein forms S2262P, S2280P, S1997P, S2120P, S2298P, S2154P, S2252P, S2179P.
Identifiers: ClinVar variation 470064 (VCV000470064.16), dbSNP rs777950722, ClinGen allele CA046252.

ClinVar aggregate classification (germline): Uncertain significance. Review status: criteria provided, multiple submitters, no conflicts (2 of 4 stars). 3 submissions from 3 submitters: Uncertain significance (3). Last evaluated 2025-05-11.

Conditions:
Familial adenomatous polyposis 1 (FAP1). Also called: POLYPOSIS, ADENOMATOUS INTESTINAL; FAMILIAL ADENOMATOUS POLYPOSIS 1, ATTENUATED. Identifiers: MedGen C2713442, MONDO:0021056, OMIM 175100. Disease mechanism: loss of function.
Hereditary cancer-predisposing syndrome. Also called: Hereditary neoplastic syndrome; Neoplastic Syndromes, Hereditary; Tumor predisposition; Hereditary Cancer Syndrome. Identifiers: Orphanet 140162, MedGen C0027672, MeSH D009386, MONDO:0015356.

Allele frequency attached by ClinVar (database versions not stated): gnomAD exomes below 0.00001 and 0.00001; ExAC 0.00001.
gnomAD v4.1: 8 of 1,613,970 alleles (0.0005%); highest among the groups gnomAD compares: South Asian, 0.0077%; no homozygotes.

Submissions (3):

Labcorp Genetics (formerly Invitae), Labcorp
Classification: Uncertain significance for Familial adenomatous polyposis 1. Last evaluated: 2025-05-11. Review status: criteria provided, single submitter. Criteria: Invitae Variant Classification Sherloc (09022015). Collection method: clinical testing. Allele origin: germline.
Comment: This sequence change replaces serine, which is neutral and polar, with proline, which is neutral and non-polar, at codon 2280 of the APC protein (p.Ser2280Pro). This variant is present in population databases (rs777950722, gnomAD 0.003%). This variant has not been reported in the literature in individuals affected with APC-related conditions. ClinVar contains an entry for this variant (Variation ID: 470064). Invitae Evidence Modeling of protein sequence and biophysical properties (such as structural, functional, and spatial information, amino acid conservation, physicochemical variation, residue mobility, and thermodynamic stability) indicates that this missense variant is not expected to disrupt APC protein function with a negative predictive value of 95%. In summary, the available evidence is currently insufficient to determine the role of this variant in disease. Therefore, it has been classified as a Variant of Uncertain Significance.

Ambry Genetics
Classification: Uncertain significance for Hereditary cancer-predisposing syndrome. Last evaluated: 2024-12-12. Review status: criteria provided, single submitter. Criteria: Ambry Variant Classification Scheme 2023. Collection method: clinical testing. Allele origin: germline.
Comment: The p.S2280P variant (also known as c.6838T>C), located in coding exon 15 of the APC gene, results from a T to C substitution at nucleotide position 6838. The serine at codon 2280 is replaced by proline, an amino acid with similar properties. This amino acid position is well conserved in available vertebrate species. In addition, in silico predictors for this gene do not accurately predict pathogenicity. Missense alterations in APC are not a common cause of disease (Spier I et al. Genet Med. 2024 Feb;26(2):100992). Based on the available evidence, the clinical significance of this variant remains unclear.

Color Diagnostics, LLC DBA Color Health
Classification: Uncertain significance for Hereditary cancer-predisposing syndrome. Last evaluated: 2024-03-06. Review status: criteria provided, single submitter. Criteria: ACMG Guidelines, 2015. Collection method: clinical testing. Allele origin: germline.
Comment: This missense variant replaces serine with proline at codon 2280 of the APC protein. Computational prediction suggests that this variant may not impact protein structure and function (internally defined REVEL score threshold <= 0.5, PMID: 27666373). To our knowledge, functional studies have not been reported for this variant. This variant has not been reported in individuals affected with hereditary cancer in the literature. This variant has been identified in 1/250994 chromosomes in the general population by the Genome Aggregation Database (gnomAD). The available evidence is insufficient to determine the role of this variant in disease conclusively. Therefore, this variant is classified as a Variant of Uncertain Significance.